The following is an entry in ClinVar:

NM_152419.3(HGSNAT):c.654G>A (p.Arg218=)

Gene: HGSNAT (heparan-alpha-glucosaminide N-acetyltransferase; plus strand). Cytogenetic location: 8p11.21.
Variant type: single nucleotide variant.
Coding change: c.654G>A on transcript NM_152419.3 (MANE Select); coding-DNA position 654, G replaced by A.
Protein change: p.Arg218=; no amino-acid change (arginine 218 retained).
Molecular consequence: synonymous variant. On other transcripts: 5 prime UTR variant (1).
Genome position (GRCh38, 1-based): chr8:43,170,605, G>A. VCF-style: chr8-43170605-G-A. GRCh37 (hg19) VCF-style: chr8-43025748-G-A.
Other names: c.654G>A (NM_152419.2); c.654G>A, p.Arg218= (NM_001363227.2, NM_001363228.2); c.-180G>A (NM_001363229.2).
Identifiers: ClinVar variation 1153742 (VCV001153742.9), dbSNP rs561712734, ClinGen allele CA4736580.
Genomic context (GRCh38, chr8:43,170,605, plus strand): 5'-AGCATTATGAGTTGTCATCTTTCTCCCTTTTTTTCTGAAGGAGCTGGGATCTCCCAGCAG[G>A]ACAGACCCTCTCGATGGTGATGTTCAGCCAGCAACGTGGCGTCTATCTGCCCTGCCGCCC-3'
Protein context (NP_689632.2, residues 208-228): LINSELGSPS[Arg218=]TDPLDGDVQP

ClinVar aggregate classification (germline): Likely benign. Review status: criteria provided, multiple submitters, no conflicts (2 of 4 stars). 3 submissions from 3 submitters: Likely benign (3). Last evaluated 2026-06-10.

Conditions:
HGSNAT-related disorder. Also called: HGSNAT-related condition.
Mucopolysaccharidosis, MPS-III-C (MPS3C). Also called: MPS III C; Mucopolysaccharidosis type IIIC (Sanfilippo C); SANFILIPPO SYNDROME C; MUCOPOLYSACCHARIDOSIS, TYPE IIIC; mucopolysaccharidosis type 3C; MPS IIIC (Sanfilippo Syndrome Type C). Identifiers: Orphanet 581, Orphanet 79271, MedGen C0086649, MONDO:0009657, OMIM 252930.
Retinitis pigmentosa 73 (RP73). Identifiers: Orphanet 791, MedGen C4225287, MONDO:0014687, OMIM 616544.

Allele frequency attached by ClinVar (database versions not stated): TOPMed 0.00006; 1000 Genomes Project 30x 0.00016; gnomAD exomes 0.00001 and below 0.00001; gnomAD 0.00003; 1000 Genomes Project 0.00020; ExAC 0.00003.

Submissions (3):

PreventionGenetics, part of Exact Sciences
Classification: Likely benign for HGSNAT-related condition. Last evaluated: 2026-06-10. Review status: criteria provided, single submitter. Criteria: ACMG Guidelines, 2015. Collection method: clinical testing. Allele origin: germline.
Comment: This variant is classified as likely benign based on ACMG/AMP sequence variant interpretation guidelines (Richards et al. 2015 PMID: 25741868, with internal and published modifications).

Labcorp Genetics (formerly Invitae), Labcorp
Classification: Likely benign for Retinitis pigmentosa 73; Mucopolysaccharidosis, MPS-III-C. Last evaluated: 2025-12-28. Review status: criteria provided, single submitter. Criteria: Invitae Variant Classification Sherloc (09022015). Collection method: clinical testing. Allele origin: germline.

Blueprint Genetics
Classification: Likely benign. Last evaluated: 2022-09-05. Review status: criteria provided, single submitter. Criteria: ACMG Guidelines, 2015. Collection method: clinical testing. Allele origin: germline.